The following is an entry in ClinVar:

NM_004722.4(AP4M1):c.673+6G>A

Gene: AP4M1 (adaptor related protein complex 4 subunit mu 1; plus strand). Cytogenetic location: 7q22.1.
Variant type: single nucleotide variant.
Coding change: c.673+6G>A on transcript NM_004722.4 (MANE Select); 6 bases into the intron after coding-DNA position 673, G replaced by A.
Molecular consequence: intron variant.
Genome position (GRCh38, 1-based): chr7:100,104,946, G>A. VCF-style: chr7-100104946-G-A. GRCh37 (hg19) VCF-style: chr7-99702569-G-A.
Other names: c.694+6G>A (NM_001363671.2); c.673+6G>A (NM_004722.3).
Identifiers: ClinVar variation 1366060 (VCV001366060.7), dbSNP rs201427711, ClinGen allele CA4374726.
Genomic context (GRCh38, chr7:100,104,946, plus strand): 5'-AAGGTGGATGTGCAGGGAGAGATTCGGCTCAAGAGCTTCCTTCCTAGCGGCTCTGGTGAG[G>A]CATCTGCAGGCAGGACCAAGGGTTGGGGTTAGGGCGGGTTCCTTGGTGTCTTAAACCATG-3'

ClinVar aggregate classification (germline): Uncertain significance. Review status: criteria provided, multiple submitters, no conflicts (2 of 4 stars). 2 submissions from 2 submitters: Uncertain significance (2). Last evaluated 2025-04-25.

Conditions:
Hereditary spastic paraplegia 50 (SPG50). Also called: Spastic paraplegia 50, autosomal recessive. Identifiers: Orphanet 280763, MedGen C2752008, MONDO:0013048, OMIM 612936.
Inborn genetic diseases. Identifiers: MedGen C0950123, MeSH D030342.

Allele frequency attached by ClinVar (database versions not stated): TOPMed below 0.00001; gnomAD 0.00001; ExAC 0.00002; gnomAD exomes 0.00002.
gnomAD v4.1: 37 of 1,614,108 alleles (0.0023%); highest among the groups gnomAD compares: Non-Finnish European, 0.003%; no homozygotes.

Submissions (2):

Ambry Genetics
Classification: Uncertain significance for Inborn genetic diseases. Last evaluated: 2025-04-25. Review status: criteria provided, single submitter. Criteria: Ambry Variant Classification Scheme 2023. Collection method: clinical testing. Allele origin: germline.
Comment: The c.673+6G>A intronic alteration consists of a G to A substitution nucleotides after coding exon 8 in the AP4M1 gene. Based on insufficient or conflicting evidence, the clinical significance of this alteration remains unclear.

Labcorp Genetics (formerly Invitae), Labcorp
Classification: Uncertain significance for Hereditary spastic paraplegia 50. Last evaluated: 2024-01-08. Review status: criteria provided, single submitter. Criteria: Invitae Variant Classification Sherloc (09022015). Collection method: clinical testing. Allele origin: germline.
Comment: This sequence change falls in intron 8 of the AP4M1 gene. It does not directly change the encoded amino acid sequence of the AP4M1 protein. It affects a nucleotide within the consensus splice site. This variant is present in population databases (rs201427711, gnomAD 0.004%). This variant has not been reported in the literature in individuals affected with AP4M1-related conditions. ClinVar contains an entry for this variant (Variation ID: 1366060). Variants that disrupt the consensus splice site are a relatively common cause of aberrant splicing (PMID: 17576681, 9536098). Algorithms developed to predict the effect of sequence changes on RNA splicing suggest that this variant is not likely to affect RNA splicing. In summary, the available evidence is currently insufficient to determine the role of this variant in disease. Therefore, it has been classified as a Variant of Uncertain Significance.

Literature cited by the submitters: PubMed 17576681 (cited by Labcorp Genetics (formerly Invitae), Labcorp); PubMed 9536098 (cited by Labcorp Genetics (formerly Invitae), Labcorp).